The following is an entry in ClinVar:

ClinVar aggregate classification (germline): Likely pathogenic (1 of 4 stars; one submission).

Conditions:
Polycystic kidney disease 4 (PKD4). Also called: POLYCYSTIC KIDNEY AND HEPATIC DISEASE 1; POLYCYSTIC KIDNEY DISEASE, INFANTILE, TYPE I; POLYCYSTIC KIDNEY DISEASE 4 WITH OR WITHOUT POLYCYSTIC LIVER DISEASE; PKD3; Autosomal Recessive Polycystic Kidney Disease – PKHD1. Identifiers: MedGen C4540575, MONDO:0033004, OMIM 263200.

Submission:

Myriad Genetics, Inc.
Classification: Likely pathogenic for Polycystic kidney disease 4. Last evaluated: 2022-02-24. Review status: criteria provided, single submitter. Criteria: Myriad Women's Health Autosomal Recessive and X-Linked Classification Criteria (2021). Collection method: clinical testing. Allele origin: unknown.
Comment: NM_138694.3(PKHD1):c.11395A>T(K3799*) is expected to be pathogenic in the context of autosomal recessive polycystic kidney disease, PKHD1-related. This variant is predicted to lead to an abnormal or absent protein product due to the creation of a premature termination codon in PKHD1, a gene where loss-of-function variants are known to be pathogenic. Please note: this variant was assessed in the context of healthy population screening.

NM_138694.4(PKHD1):c.11395A>T (p.Lys3799Ter)

Gene: PKHD1 (PKHD1 ciliary IPT domain containing fibrocystin/polyductin; minus strand). Cytogenetic location: 6p12.3.
Variant type: single nucleotide variant.
Coding change: c.11395A>T on transcript NM_138694.4 (MANE Select); coding-DNA position 11395, A replaced by T.
Protein change: p.Lys3799Ter; replaces lysine 3799 with a stop codon.
Molecular consequence: nonsense.
Genome position (GRCh38, 1-based): chr6:51,648,034, T>A on the plus strand (A>T on the coding strand, the complement: PKHD1 is on the minus strand). VCF-style: chr6-51648034-T-A. GRCh37 (hg19) VCF-style: chr6-51512832-T-A.
Other names: short protein forms K3799*.
Identifiers: ClinVar variation 1724647 (VCV001724647.2), dbSNP rs2533289946, ClinGen allele CA364425129.
Genomic context (GRCh38, chr6:51,648,034, plus strand): 5'-TTTTCTGTGCAGATAAAGTGGTAACAGATATCTGAAATTTACAGATACTTTACCTACCTT[T>A]TAGCACTGAGTCTGATGCTCCTTCCAGGGAAGCTGAAATTGTCCATGGCTCTGAAGGAGG-3'